The following is an entry in ClinVar:

NM_000157.4(GBA1):c.1503C>G (p.Asn501Lys)

Genes: GBA1 (glucosylceramidase beta 1; minus strand), LOC106627981 (GBA recombination region; plus strand). Cytogenetic location: 1q22.
Variant type: single nucleotide variant.
Coding change: c.1503C>G on transcript NM_000157.4 (MANE Select); coding-DNA position 1503, C replaced by G.
Protein change: p.Asn501Lys; replaces asparagine 501 with lysine.
Molecular consequence: missense variant.
Genome position (GRCh38, 1-based): chr1:155,235,197, G>C on the plus strand (C>G on the coding strand, the complement: GBA1 is on the minus strand). VCF-style: chr1-155235197-G-C. GRCh37 (hg19) VCF-style: chr1-155204988-G-C.
Other names: c.1503C>G, p.Asn501Lys (NM_001005741.3, NM_001005742.3); c.1242C>G, p.Asn414Lys (NM_001171811.2); c.1356C>G, p.Asn452Lys (NM_001171812.2); c.1503C>G (NM_000157.3); short protein forms N414K, N452K, N501K.
Identifiers: ClinVar variation 691989 (VCV000691989.6), dbSNP rs755265316, ClinGen allele CA342710805.

ClinVar aggregate classification (germline): Likely pathogenic. Review status: criteria provided, multiple submitters, no conflicts (2 of 4 stars). 3 submissions from 3 submitters: Likely pathogenic (3). Last evaluated 2024-04-22.

Conditions:
Gaucher disease. Also called: Acute cerebral Gaucher disease; Cerebroside lipidosis syndrome; Gaucher splenomegaly; Sphingolipidosis 1; Glucocerebrosidosis; Glucosylceramidase deficiency. Identifiers: Orphanet 355, MedGen C0017205, MONDO:0018150.
Gaucher disease type II (GD2). Also called: Type 2 Gaucher disease (Acute; Infantile); GAUCHER DISEASE, ACUTE NEURONOPATHIC TYPE; GD II; Acute neuronopathic Gaucher's disease. Identifiers: Orphanet 77260, MedGen C0268250, MONDO:0009266, OMIM 230900.

gnomAD v4.1: 7 of 1,612,632 alleles (0.00043%); highest among the groups gnomAD compares: Non-Finnish European, 0.00059%; no homozygotes.

Submissions (3):

Natera, Inc.
Classification: Likely pathogenic for Gaucher disease. Last evaluated: 2024-04-22. Review status: criteria provided, single submitter. Criteria: Natera Variant Classification Schema (03/2026). Collection method: clinical testing. Allele origin: germline.
Comment: The c.1503C>G variant in GBA1 is a missense variant predicted to cause substitution of asparagine to lysine at amino acid 501. This variant is rare in the general population with a frequency below the threshold expected for the associated phenotype(s). This variant has been observed in one or more individuals affected with the associated recessive disease, as either homozygous or compound heterozygous with a second variant (PMID: 34649574, 31019026, 33334373). Computational prediction algorithms indicate this variant is likely to affect gene or protein function. Given the available evidence, this variant is classified as Likely Pathogenic.

Revvity Omics, Revvity
Classification: Likely pathogenic. Last evaluated: 2021-07-13. Review status: criteria provided, single submitter. Criteria: ACMG Guidelines, 2015. Collection method: clinical testing. Allele origin: germline.

Rady Children's Institute for Genomic Medicine, Rady Children's Hospital San Diego
Classification: Likely pathogenic for GAUCHER DISEASE, TYPE II. Last evaluated: 2017-05-31. Review status: criteria provided, single submitter. Criteria: ACMG Guidelines, 2015. Collection method: clinical testing. Allele origin: germline. Affected: yes. Observed: 1 variant allele.
Comment: This missense variant has been reported in one patient with Gaucher disease, and reported in another study in a patient with Parkinson disease (PMID: 20301446, 27717005). This variant affects a highly conserved amino acid and is located in a region that contains multiple pathogenic variants. The variant is predicted to be damaging by multiple in silico tools. The variant was not found in any of the publically available databases, and is thus presumed to be rare. Based on the available evidence, this variant is classified as likely pathogenic.

Literature cited by the submitters: PubMed 34649574 (cited by Natera, Inc.); PubMed 31019026 (cited by Natera, Inc.); PubMed 33334373 (cited by Natera, Inc.).